The following is an entry in ClinVar:

ClinVar aggregate classification (germline): Pathogenic (1 of 4 stars; one submission).

Conditions:
Coffin-Siris syndrome 1 (CSS1). Also called: Mental retardation, autosomal dominant 12; ARID1B-Related Coffin-Siris Syndrome. Identifiers: Orphanet 1465, MedGen C3281201, MONDO:0007617, OMIM 135900. Disease mechanism: gain of function.

Submission:

Victorian Clinical Genetics Services, Murdoch Childrens Research Institute
Classification: Pathogenic for Coffin-Siris syndrome 1. Last evaluated: 2023-12-21. Review status: criteria provided, single submitter. Criteria: ACMG Guidelines, 2015. Collection method: clinical testing. Allele origin: germline. Inheritance: Autosomal dominant inheritance. Affected: yes.
Comment: Based on the classification scheme VCGS_Germline_v1.3.4, this variant is classified as Pathogenic. Following criteria are met: 0102 - Loss of function is a known mechanism of disease in this gene and is associated with Coffin-Siris syndrome 1 (MIM#135900). (I) 0107 - This gene is associated with autosomal dominant disease. (I) 0201 - Variant is predicted to cause nonsense-mediated decay (NMD) and loss of protein (premature termination codon is located at least 54 nucleotides upstream of the final exon-exon junction). (SP) 0251 - This variant is heterozygous. (I) 0301 - Variant is absent from gnomAD (both v2 and v3). (SP) 0701 - Other NMD-predicted variants comparable to the one identified in this case have very strong previous evidence for pathogenicity (DECIPHER). (SP) 0807 - This variant has no previous evidence of pathogenicity. (I) 0905 - No published segregation evidence has been identified for this variant. (I) 1007 - No published functional evidence has been identified for this variant. (SP) Legend: (SP) - Supporting pathogenic, (I) - Information, (SB) - Supporting benign

NM_001374828.1(ARID1B):c.4442_4443dup (p.Gly1482fs)

Gene: ARID1B (AT-rich interaction domain 1B; plus strand). Cytogenetic location: 6q25.3.
Variant type: Duplication.
Coding change: c.4442_4443dup on transcript NM_001374828.1 (MANE Select); coding-DNA positions 4442 to 4443, 2 bases duplicated (AT; older notation c.4442_4443dupAT).
Protein change: p.Gly1482fs; shifts the reading frame from glycine 1482.
Molecular consequence: frameshift variant.
Genome position (GRCh38, 1-based): chr6:157,198,870-157,198,871, AT duplicated; duplicating any 2 consecutive bases within chr6:157,198,869-157,198,871 gives the same sequence; the c. name uses the placement nearest the transcript's 3' end. VCF-style (leftmost placement, unchanged base first): chr6-157198868-G-GTA. GRCh37 (hg19) VCF-style: chr6-157520002-G-GTA.
Other names: c.1943_1944dup, p.Gly649fs (NM_001363725.2); c.4322_4323dup, p.Gly1442fs (NM_001371656.1, NM_001374820.1); c.4283_4284dup, p.Gly1429fs (NM_017519.3); short protein forms G1429fs, G1442fs, G1482fs, G649fs.
Identifiers: ClinVar variation 3254957 (VCV003254957.1), dbSNP rs2538640861.